The following is an entry in ClinVar:

ClinVar aggregate classification (germline): Conflicting classifications of pathogenicity. Review status: criteria provided, conflicting classifications (1 of 4 stars). 3 submissions from 3 submitters: Uncertain significance (2); Likely benign (1). Last evaluated 2025-09-22.

Conditions:
Hereditary cancer-predisposing syndrome. Also called: Tumor predisposition; Hereditary neoplastic syndrome; Hereditary Cancer Syndrome; Neoplastic Syndromes, Hereditary. Identifiers: Orphanet 140162, MedGen C0027672, MeSH D009386, MONDO:0015356.
Familial cancer of breast. Also called: BREAST CANCER, FAMILIAL; Hereditary breast cancer; hereditary breast carcinoma. Identifiers: Orphanet 227535, MedGen C0346153, MONDO:0016419, OMIM 114480. Disease mechanism: loss of function.
Fanconi anemia complementation group J. Also called: BRIP1-Related Fanconi Anemia. Identifiers: Orphanet 84, MedGen C1836860, MONDO:0012187, OMIM 609054.

gnomAD v4.1: 1 of 1,614,142 alleles (0.000062%); highest among the groups gnomAD compares: Admixed American, 0.0017%; no homozygotes.

Submissions (3):

Labcorp Genetics (formerly Invitae), Labcorp
Classification: Uncertain significance for Familial cancer of breast; Fanconi anemia complementation group J. Last evaluated: 2025-09-22. Review status: criteria provided, single submitter. Criteria: Invitae Variant Classification Sherloc (09022015). Collection method: clinical testing. Allele origin: germline.
Comment: This sequence change replaces glycine, which is neutral and non-polar, with arginine, which is basic and polar, at codon 1024 of the BRIP1 protein (p.Gly1024Arg). This variant is not present in population databases (gnomAD no frequency). This variant has not been reported in the literature in individuals affected with BRIP1-related conditions. ClinVar contains an entry for this variant (Variation ID: 1450375). Invitae Evidence Modeling of protein sequence and biophysical properties (such as structural, functional, and spatial information, amino acid conservation, physicochemical variation, residue mobility, and thermodynamic stability) indicates that this missense variant is not expected to disrupt BRIP1 protein function with a negative predictive value of 95%. In summary, the available evidence is currently insufficient to determine the role of this variant in disease. Therefore, it has been classified as a Variant of Uncertain Significance.

GeneDx
Classification: Uncertain significance. Last evaluated: 2023-07-13. Review status: criteria provided, single submitter. Criteria: GeneDx Variant Classification Process June 2021. Collection method: clinical testing. Allele origin: germline. Affected: yes.
Comment: Not observed at significant frequency in large population cohorts (gnomAD); In silico analysis supports that this missense variant does not alter protein structure/function; Has not been previously published as pathogenic or benign to our knowledge; This variant is associated with the following publications: (PMID: 11301010)

Ambry Genetics
Classification: Likely benign for Hereditary cancer-predisposing syndrome. Last evaluated: 2020-07-06. Review status: criteria provided, single submitter. Criteria: Ambry Variant Classification Scheme 2023. Collection method: clinical testing. Allele origin: germline.

NM_032043.3(BRIP1):c.3070G>C (p.Gly1024Arg)

Gene: BRIP1 (BRCA1 interacting DNA helicase 1; minus strand). Cytogenetic location: 17q23.2.
Variant type: single nucleotide variant.
Coding change: c.3070G>C on transcript NM_032043.3 (MANE Select); coding-DNA position 3070, G replaced by C.
Protein change: p.Gly1024Arg; replaces glycine 1024 with arginine.
Molecular consequence: missense variant.
Genome position (GRCh38, 1-based): chr17:61,683,976, C>G on the plus strand (G>C on the coding strand, the complement: BRIP1 is on the minus strand). VCF-style: chr17-61683976-C-G. GRCh37 (hg19) VCF-style: chr17-59761337-C-G.
Other names: short protein forms G1024R.
Identifiers: ClinVar variation 1450375 (VCV001450375.10), dbSNP rs147119272, ClinGen allele CA400479875.